The following is an entry in ClinVar:

ClinVar aggregate classification (germline): Conflicting classifications of pathogenicity. Review status: criteria provided, conflicting classifications (1 of 4 stars). 3 submissions from 3 submitters: Uncertain significance (2); Likely benign (1). Last evaluated 2025-12-31.

Conditions:
Zellweger spectrum disorders (ZS). Also called: Zellweger syndrome; Zellweger Spectrum Disorder; Zellweger Spectrum; Zellweger Spectrum Disorder (ZSD). Identifiers: Orphanet 912, MedGen C0043459, MONDO:0019609.
Peroxisome biogenesis disorder 1A (Zellweger) (PBD1A). Also called: Zellweger leukodystrophy; Peroxisome biogenesis disorder 1a. Identifiers: MedGen C4721541, MONDO:0008953, OMIM 214100.
Heimler syndrome 1 (HMLR1). Also called: PEROXISOME BIOGENESIS DISORDER 1C. Identifiers: Orphanet 3220, MedGen C4551980, OMIM 234580, MONDO:0024544.
Peroxisome biogenesis disorder 1B (PBD1B). Also called: Refsum disease, infantile form; Infantile Refsum disease; Infantile form of phytanic acid storage disease; PEROXISOME BIOGENESIS DISORDER (NEONATAL ADRENOLEUKODYSTROPHY/INFANTILE REFSUM DISEASE); INFANTILE PHYTANIC ACID STORAGE DISEASE; PEROXISOME BIOGENESIS DISORDER (NALD/IRD). Identifiers: Orphanet 44, MedGen C0282527, MONDO:0011101, OMIM 601539.

Allele frequency attached by ClinVar (database versions not stated): gnomAD below 0.00001 and 0.00003; TOPMed 0.00001; ExAC 0.00009; gnomAD exomes 0.00010; 1000 Genomes Project 30x 0.00031; 1000 Genomes Project 0.00040.
gnomAD v4.1: 88 of 1,613,726 alleles (0.0055%); highest among the groups gnomAD compares: South Asian, 0.071%; no homozygotes.

Submissions (3):

Labcorp Genetics (formerly Invitae), Labcorp
Classification: Likely benign for Zellweger spectrum disorders. Last evaluated: 2025-12-31. Review status: criteria provided, single submitter. Criteria: Invitae Variant Classification Sherloc (09022015). Collection method: clinical testing. Allele origin: germline.

Women's Health and Genetics/Laboratory Corporation of America, LabCorp
Classification: Uncertain significance. Last evaluated: 2025-03-19. Review status: criteria provided, single submitter. Criteria: LabCorp Variant Classification Summary - May 2015. Collection method: clinical testing. Allele origin: germline.
Comment: Variant summary: PEX1 c.3756T>A (p.Asn1252Lys) results in a non-conservative amino acid change in the encoded protein sequence. Three of four in-silico tools predict a benign effect of the variant on protein function. The variant allele was found at a frequency of 9.6e-05 in 250772 control chromosomes. This frequency is not significantly higher than estimated for a pathogenic variant in PEX1 causing Heimler Syndrome 1, allowing no conclusion about variant significance. To our knowledge, no occurrence of c.3756T>A in individuals affected with Heimler Syndrome 1 and no experimental evidence demonstrating its impact on protein function have been reported. ClinVar contains an entry for this variant (Variation ID: 548004). Based on the evidence outlined above, the variant was classified as uncertain significance.

Mayo Clinic Laboratories, Mayo Clinic
Classification: Uncertain significance for Peroxisome biogenesis disorder 1A (Zellweger); Peroxisome biogenesis disorder 1B; Heimler syndrome 1. Last evaluated: 2017-08-25. Review status: criteria provided, single submitter. Criteria: ACMG Guidelines, 2015. Collection method: clinical testing. Allele origin: maternal.

NM_000466.3(PEX1):c.3756T>A (p.Asn1252Lys)

Genes: PEX1 (peroxisomal biogenesis factor 1; minus strand), GATAD1 (GATA zinc finger domain containing 1; plus strand). Cytogenetic location: 7q21.2.
Variant type: single nucleotide variant.
Coding change: c.3756T>A on transcript NM_000466.3 (MANE Select); coding-DNA position 3756, T replaced by A.
Protein change: p.Asn1252Lys; replaces asparagine 1252 with lysine.
Molecular consequence: missense variant.
Genome position (GRCh38, 1-based): chr7:92,489,304, A>T on the plus strand (T>A on the coding strand, the complement: PEX1 is on the minus strand). VCF-style: chr7-92489304-A-T. GRCh37 (hg19) VCF-style: chr7-92118618-A-T.
Other names: c.3585T>A, p.Asn1195Lys (NM_001282677.2); c.3132T>A, p.Asn1044Lys (NM_001282678.2); short protein forms N1044K, N1252K, N1195K.
Identifiers: ClinVar variation 548004 (VCV000548004.14), dbSNP rs553001596, ClinGen allele CA4340751.